The following is an entry in ClinVar:

NM_005876.5(SPEG):c.6685G>A (p.Ala2229Thr)

Genes: ASIC4-AS1 (ASIC4 antisense RNA 1; minus strand), SPEG (striated muscle enriched protein kinase; plus strand). Cytogenetic location: 2q35.
Variant type: single nucleotide variant.
Coding change: c.6685G>A on transcript NM_005876.5 (MANE Select); coding-DNA position 6685, G replaced by A.
Protein change: p.Ala2229Thr; replaces alanine 2229 with threonine.
Molecular consequence: missense variant.
Genome position (GRCh38, 1-based): chr2:219,484,148, G>A. VCF-style: chr2-219484148-G-A. GRCh37 (hg19) VCF-style: chr2-220348870-G-A.
Other names: short protein forms A2229T.
Identifiers: ClinVar variation 3672498 (VCV003672498.2).

ClinVar aggregate classification (germline): Uncertain significance (1 of 4 stars; one submission).

Submission:

Labcorp Genetics (formerly Invitae), Labcorp
Classification: Uncertain significance. Last evaluated: 2024-06-10. Review status: criteria provided, single submitter. Criteria: Invitae Variant Classification Sherloc (09022015). Collection method: clinical testing. Allele origin: germline.
Comment: This sequence change replaces alanine, which is neutral and non-polar, with threonine, which is neutral and polar, at codon 2229 of the SPEG protein (p.Ala2229Thr). The frequency data for this variant in the population databases is considered unreliable, as metrics indicate poor data quality at this position in the gnomAD database. This variant has not been reported in the literature in individuals affected with SPEG-related conditions. Algorithms developed to predict the effect of missense changes on protein structure and function output the following: SIFT: "Not Available"; PolyPhen-2: "Benign"; Align-GVGD: "Not Available". The threonine amino acid residue is found in multiple mammalian species, which suggests that this missense change does not adversely affect protein function. In summary, the available evidence is currently insufficient to determine the role of this variant in disease. Therefore, it has been classified as a Variant of Uncertain Significance.